The following is an entry in ClinVar:

ClinVar aggregate classification (germline): Conflicting classifications of pathogenicity. Review status: criteria provided, conflicting classifications (1 of 4 stars). 3 submissions from 3 submitters: Uncertain significance (1); Likely benign (1). 1 of the submissions does not count toward it. Last evaluated 2026-02-04.

Conditions:
JAK1-related disorder. Also called: JAK1-related condition.

Allele frequency attached by ClinVar (database versions not stated): ExAC 0.00034; gnomAD exomes 0.00034 and 0.00079; 1000 Genomes Project 0.00040; TOPMed 0.00045; 1000 Genomes Project 30x 0.00047; gnomAD 0.00049 and 0.00050; ESP Exome Variant Server 0.00074.
gnomAD v4.1: 1,217 of 1,613,096 alleles (0.075%); highest among the groups gnomAD compares: Non-Finnish European, 0.096%; 1 homozygote.

Submissions (3):

Labcorp Genetics (formerly Invitae), Labcorp
Classification: Uncertain significance. Last evaluated: 2026-02-04. Review status: criteria provided, single submitter. Criteria: Invitae Variant Classification Sherloc (09022015). Collection method: clinical testing. Allele origin: germline.
Comment: This sequence change affects codon 947 of the JAK1 mRNA. It is a 'silent' change, meaning that it does not change the encoded amino acid sequence of the JAK1 protein. It affects a nucleotide within the consensus splice site. This variant is present in population databases (rs200375330, gnomAD 0.06%), and has an allele count higher than expected for a pathogenic variant. This variant has not been reported in the literature in individuals affected with JAK1-related conditions. ClinVar contains an entry for this variant (Variation ID: 1002308). Algorithms developed to predict the effect of sequence changes on RNA splicing suggest that this variant is not likely to affect RNA splicing. In summary, the available evidence is currently insufficient to determine the role of this variant in disease. Therefore, it has been classified as a Variant of Uncertain Significance.

Blueprint Genetics
Classification: Likely benign. Last evaluated: 2024-11-18. Review status: criteria provided, single submitter. Criteria: ACMG Guidelines, 2015. Collection method: clinical testing. Allele origin: germline.

PreventionGenetics, part of Exact Sciences
Classification: Likely benign for JAK1-related condition. Last evaluated: 2019-03-12. Review status: no assertion criteria provided. Collection method: clinical testing. Allele origin: germline. Not counted in ClinVar's aggregate classification.
Comment: This variant is classified as likely benign based on ACMG/AMP sequence variant interpretation guidelines (Richards et al. 2015 PMID: 25741868, with internal and published modifications).

NM_002227.4(JAK1):c.2841C>T (p.Asp947=)

Gene: JAK1 (Janus kinase 1; minus strand). Cytogenetic location: 1p31.3.
Variant type: single nucleotide variant.
Coding change: c.2841C>T on transcript NM_002227.4 (MANE Select); coding-DNA position 2841, C replaced by T.
Protein change: p.Asp947=; no amino-acid change (aspartic acid 947 retained).
Molecular consequence: synonymous variant.
Genome position (GRCh38, 1-based): chr1:64,839,604, G>A on the plus strand (C>T on the coding strand, the complement: JAK1 is on the minus strand). VCF-style: chr1-64839604-G-A. GRCh37 (hg19) VCF-style: chr1-65305287-G-A.
Other names: c.2841C>T (NM_002227.3); c.2841C>T, p.Asp947= (NM_001320923.2, NM_001321852.2, NM_001321853.2 and 3 more transcripts); c.2838C>T, p.Asp946= (NM_001321857.2).
Identifiers: ClinVar variation 1002308 (VCV001002308.10), dbSNP rs200375330, ClinGen allele CA892582.